The following is an entry in ClinVar:

NM_000057.4(BLM):c.2683T>C (p.Cys895Arg)

Gene: BLM (BLM RecQ like helicase; plus strand). Cytogenetic location: 15q26.1.
Variant type: single nucleotide variant.
Coding change: c.2683T>C on transcript NM_000057.4 (MANE Select); coding-DNA position 2683, T replaced by C.
Protein change: p.Cys895Arg; replaces cysteine 895 with arginine.
Molecular consequence: missense variant.
Genome position (GRCh38, 1-based): chr15:90,784,941, T>C. VCF-style: chr15-90784941-T-C. GRCh37 (hg19) VCF-style: chr15-91328171-T-C.
Other names: c.2683T>C, p.Cys895Arg (NM_001287246.2, NM_001287247.2); c.1558T>C, p.Cys520Arg (NM_001287248.2); short protein forms C895R, C520R.
Identifiers: ClinVar variation 2447175 (VCV002447175.3), dbSNP rs587779883, ClinGen allele CA393845888.

ClinVar aggregate classification (germline): Uncertain significance (1 of 4 stars; one submission).

Conditions:
Hereditary cancer-predisposing syndrome. Also called: Neoplastic Syndromes, Hereditary; Hereditary Cancer Syndrome; Tumor predisposition; Hereditary neoplastic syndrome. Identifiers: Orphanet 140162, MedGen C0027672, MeSH D009386, MONDO:0015356.

Submission:

Ambry Genetics
Classification: Uncertain significance for Hereditary cancer-predisposing syndrome. Last evaluated: 2025-07-11. Review status: criteria provided, single submitter. Criteria: Ambry Variant Classification Scheme 2023. Collection method: clinical testing. Allele origin: germline.
Comment: The p.C895R variant (also known as c.2683T>C), located in coding exon 13 of the BLM gene, results from a T to C substitution at nucleotide position 2683. The cysteine at codon 895 is replaced by arginine, an amino acid with highly dissimilar properties. This amino acid position is conserved. In addition, this alteration is predicted to be deleterious by in silico analysis. Since supporting evidence is limited at this time, the clinical significance of this alteration remains unclear.